The following is an entry in ClinVar:

NM_000387.6(SLC25A20):c.84del (p.His29fs)

Gene: SLC25A20 (solute carrier family 25 member 20; minus strand). Cytogenetic location: 3p21.31.
Variant type: Deletion.
Coding change: c.84del on transcript NM_000387.6 (MANE Select); coding-DNA position 84, one base deleted (T; older notation c.84delT).
Protein change: p.His29fs; shifts the reading frame from histidine 29.
Molecular consequence: frameshift variant.
Genome position (GRCh38, 1-based): chr3:48,898,711, A deleted on the plus strand (T on the coding strand, the reverse complement: SLC25A20 is on the minus strand). VCF-style (leftmost placement, unchanged base first): chr3-48898710-GA-G. GRCh37 (hg19) VCF-style: chr3-48936143-GA-G.
Other names: short protein forms H29fs.
Identifiers: ClinVar variation 12136 (VCV000012136.6), dbSNP rs587776760, ClinGen allele CA121916.

ClinVar aggregate classification (germline): Pathogenic. Review status: criteria provided, multiple submitters, no conflicts (2 of 4 stars). 4 submissions from 4 submitters: Pathogenic (3). 1 of the submissions does not count toward it. Last evaluated 2024-08-29.

Conditions:
Carnitine acylcarnitine translocase deficiency (CACTD). Identifiers: Orphanet 159, MedGen C0342791, MONDO:0008918, OMIM 212138.

Allele frequency attached by ClinVar (database versions not stated): gnomAD exomes below 0.00001; TOPMed below 0.00001; gnomAD 0.00001; ExAC 0.00002.

Submissions (4):

Labcorp Genetics (formerly Invitae), Labcorp
Classification: Pathogenic for Carnitine acylcarnitine translocase deficiency. Last evaluated: 2024-08-29. Review status: criteria provided, single submitter. Criteria: Invitae Variant Classification Sherloc (09022015). Collection method: clinical testing. Allele origin: germline.
Comment: This sequence change creates a premature translational stop signal (p.His29Thrfs*100) in the SLC25A20 gene. It is expected to result in an absent or disrupted protein product. Loss-of-function variants in SLC25A20 are known to be pathogenic (PMID: 25614308). This variant is present in population databases (rs587776760, gnomAD 0.002%). This premature translational stop signal has been observed in individual(s) with carnitine-acylcarnitine translocase deficiency (PMID: 10697964, 11592821). In at least one individual the data is consistent with being in trans (on the opposite chromosome) from a pathogenic variant. This variant is also known as 120delT and 146delT. ClinVar contains an entry for this variant (Variation ID: 12136). For these reasons, this variant has been classified as Pathogenic.

Women's Health and Genetics/Laboratory Corporation of America, LabCorp
Classification: Pathogenic for Carnitine acylcarnitine translocase deficiency. Last evaluated: 2022-07-29. Review status: criteria provided, single submitter. Criteria: LabCorp Variant Classification Summary - May 2015. Collection method: clinical testing. Allele origin: germline.
Comment: Variant summary: SLC25A20 c.84delT (p.His29ThrfsX100) results in a premature termination codon, predicted to cause a truncation of the encoded protein or absence of the protein due to nonsense mediated decay, which are commonly known mechanisms for disease. Truncations downstream of this position have been classified as pathogenic by our laboratory. The variant allele was found at a frequency of 4.2e-06 in 236062 control chromosomes (gnomAD). c.84delT has been reported in the literature in individuals affected with Carnitine-Acylcarnitine Translocase Deficiency (e.g. Ogawa_2000, Hsu_2001). These data indicate that the variant is likely to be associated with disease. No clinical diagnostic laboratories have submitted clinical-significance assessments for this variant to ClinVar after 2014. Based on the evidence outlined above, the variant was classified as pathogenic.

GeneDx
Classification: Pathogenic. Last evaluated: 2014-01-16. Review status: criteria provided, single submitter. Criteria: GeneDx Variant Classification (06012015). Collection method: clinical testing. Allele origin: germline. Affected: yes.
Comment: The c.84delT mutation in the SLC25A20 gene has been reported previously in association with carnitine-acylcarnitine translocase (CACT) deficiency using alternate nomenclature (Ogawa et al., 2000). The deletion causes a frameshift starting with codon Histidine 29, changes this amino acid to a Threonine residue and creates a premature Stop codon at position 100 of the new reading frame, denoted p.His29ThrfsX100. This mutation is predicted to cause loss of normal protein function either through protein truncation or nonsense-mediated mRNA decay. The variant is found in SLC25A20 panel(s).

OMIM
Classification: Pathogenic for CARNITINE-ACYLCARNITINE TRANSLOCASE DEFICIENCY. Last evaluated: 2000-01-01. Review status: no assertion criteria provided. Collection method: literature only. Allele origin: germline. Not counted in ClinVar's aggregate classification.

Literature cited by the submitters: PubMed 25614308 (cited by Labcorp Genetics (formerly Invitae), Labcorp); PubMed 10697964 (cited by 3 submitters); PubMed 11592821 (cited by Labcorp Genetics (formerly Invitae), Labcorp and Women's Health and Genetics/Laboratory Corporation of America, LabCorp); PubMed 1598097 (cited by OMIM).